The following is an entry in ClinVar:

ClinVar aggregate classification (germline): Uncertain significance (1 of 4 stars; one submission).

Conditions:
Hereditary cancer-predisposing syndrome. Also called: Neoplastic Syndromes, Hereditary; Tumor predisposition; Hereditary Cancer Syndrome; Hereditary neoplastic syndrome. Identifiers: Orphanet 140162, MedGen C0027672, MeSH D009386, MONDO:0015356.

Submission:

Ambry Genetics
Classification: Uncertain significance for Hereditary cancer-predisposing syndrome. Last evaluated: 2022-05-04. Review status: criteria provided, single submitter. Criteria: Ambry Variant Classification Scheme 2023. Collection method: clinical testing. Allele origin: germline.
Comment: The c.1899_1904dupGCCCCA variant (also known as p.P634_H635insQP), located in coding exon 6 of the AXIN2 gene, results from an in-frame duplication of GCCCCA at nucleotide positions 1899 to 1904. This results in the duplication of 2 extra residues (QP) between codons 634 and 635. This amino acid region is well conserved in available vertebrate species. In addition, this alteration is predicted to be neutral by in silico analysis (Choi Y et al. PLoS ONE. 2012; 7(10):e46688). Since supporting evidence is limited at this time, the clinical significance of this alteration remains unclear.

NM_004655.4(AXIN2):c.1899_1904dup (p.Pro634_His635insGlnPro)

Gene: AXIN2 (axin 2; minus strand). Cytogenetic location: 17q24.1.
Variant type: Duplication.
Coding change: c.1899_1904dup on transcript NM_004655.4 (MANE Select); coding-DNA positions 1899 to 1904, 6 bases duplicated (GCCCCA; older notation c.1899_1904dupGCCCCA).
Protein change: p.Pro634_His635insGlnPro.
Molecular consequence: inframe insertion. On other transcripts: intron variant (1), inframe indel (1).
Genome position (GRCh38, 1-based): chr17:65,536,872-65,536,877, TGGGGC duplicated on the plus strand (GCCCCA on the coding strand, the reverse complement: AXIN2 is on the minus strand); duplicating any 6 consecutive bases within chr17:65,536,872-65,536,878 gives the same sequence; the c. name uses the placement nearest the transcript's 3' end. VCF-style (leftmost placement, unchanged base first): chr17-65536871-A-ATGGGGC. GRCh37 (hg19) VCF-style: chr17-63532989-A-ATGGGGC.
Other names: c.1713-324_1713-319dup (NM_001363813.1); c.1899_1904dupGCCCCA (NM_004655.3).
Identifiers: ClinVar variation 1782210 (VCV001782210.2), dbSNP rs2509406492, ClinGen allele CA2580094687.
Genomic context (GRCh38, chr17:65,536,871, plus strand): 5'-ACCTCCGTACTGAGTGCCCATGACCCTCGCGGCCGCGGCGGCGGCAAGCGGTGTTTACCT[A>ATGGGGC]TGGGGCTTGGGCTTGCTCTGCCGCTCACTCTCCAGCATCCACTGCCAGACATCCTGCGAC-3'